The following is an entry in ClinVar:

ClinVar aggregate classification (germline): Likely pathogenic (1 of 4 stars; one submission).

Conditions:
Lynch syndrome 5 (LYNCH5). Also called: Colorectal cancer, hereditary nonpolyposis, type 5; Hereditary non-polyposis colorectal cancer, type 5. Identifiers: Orphanet 144, MedGen C1833477, MONDO:0013710, OMIM 614350. Disease mechanism: loss of function.

Submission:

Myriad Genetics, Inc.
Classification: Likely pathogenic for Lynch syndrome 5. Last evaluated: 2023-08-28. Review status: criteria provided, single submitter. Criteria: Myriad Autosomal Dominant, Autosomal Recessive and X-Linked Classification Criteria (2023). Collection method: clinical testing. Allele origin: unknown.
Comment: This variant is considered likely pathogenic. This variant creates a frameshift predicted to result in premature protein truncation. This variant is expected to disrupt protein structure [Myriad internal data].

NM_000179.3(MSH6):c.3856_3872dup (p.Lys1291fs)

Gene: MSH6 (mutS homolog 6; plus strand). Cytogenetic location: 2p16.3.
Variant type: Duplication.
Coding change: c.3856_3872dup on transcript NM_000179.3 (MANE Select); coding-DNA positions 3856 to 3872, 17 bases duplicated (CTCTATAAATTCATTAA).
Protein change: p.Lys1291fs; shifts the reading frame from lysine 1291.
Molecular consequence: frameshift variant. On other transcripts: non-coding transcript variant (5), intron variant (1), nonsense (1).
Genome position (GRCh38, 1-based): chr2:47,806,506-47,806,522, CTCTATAAATTCATTAA duplicated. VCF-style (leftmost placement, unchanged base first): chr2-47806505-C-CCTCTATAAATTCATTAA. GRCh37 (hg19) VCF-style: chr2-48033644-C-CCTCTATAAATTCATTAA.
Other names: c.2950_2966dup, p.Lys989fs (NM_001406816.1, NM_001406823.1, NM_001406829.1 and 6 more transcripts); c.2290_2306dup, p.Lys769fs (NM_001406817.1); c.3559_3575dup, p.Lys1192fs (NM_001406818.1, NM_001406819.1, NM_001406820.1 and 10 more transcripts); c.3688_3704dup, p.Lys1235fs (NM_001406826.1); c.637_653dup, p.Lys218fs (NM_001406831.1); c.703_719dup, p.Lys240fs (NM_001406832.1); c.1801_1817dup, p.Lys606fs (NM_001407362.1); c.3897+148_3897+164dup (NM_001406802.1); and 9 more; short protein forms K1003fs, K1116fs, K1161fs, K1192fs, K1233fs, K1235fs, K1265fs, K1291fs.
Identifiers: ClinVar variation 2673576 (VCV002673576.1), dbSNP rs2530861573, ClinGen allele CA2695200635.